The following is an entry in ClinVar:

ClinVar aggregate classification (germline): Likely benign (0 of 4 stars; one submission).

Conditions:
P4HA2-related disorder. Also called: P4HA2-related condition.

Allele frequency attached by ClinVar (database versions not stated): ExAC 0.00127; gnomAD 0.00413; 1000 Genomes Project 30x 0.00422; 1000 Genomes Project 0.00439; ESP Exome Variant Server 0.00469; TOPMed 0.00485.
gnomAD v4.1: 1,262 of 1,603,746 alleles (0.079%); highest among the groups gnomAD compares: African/African-American, 1.5%; 6 homozygotes.

Submission:

PreventionGenetics, part of Exact Sciences
Classification: Likely benign for P4HA2-related condition. Last evaluated: 2024-02-12. Review status: no assertion criteria provided. Collection method: clinical testing. Allele origin: germline.
Comment: This variant is classified as likely benign based on ACMG/AMP sequence variant interpretation guidelines (Richards et al. 2015 PMID: 25741868, with internal and published modifications).

NM_001017974.2(P4HA2):c.1252-5C>T

Gene: P4HA2 (prolyl 4-hydroxylase subunit alpha 2; minus strand). Cytogenetic location: 5q31.1.
Variant type: single nucleotide variant.
Coding change: c.1252-5C>T on transcript NM_001017974.2 (MANE Select); 5 bases into the intron before coding-DNA position 1252, C replaced by T.
Molecular consequence: intron variant.
Genome position (GRCh38, 1-based): chr5:132,198,937, G>A on the plus strand (C>T on the coding strand, the complement: P4HA2 is on the minus strand). VCF-style: chr5-132198937-G-A. GRCh37 (hg19) VCF-style: chr5-131534630-G-A.
Other names: c.1075-5C>T (NM_001365681.2); c.1252-5C>T (NM_001365677.2, NM_001142599.2, NM_001142598.2 and 4 more transcripts).
Identifiers: ClinVar variation 3041035 (VCV003041035.2), dbSNP rs73788824, ClinGen allele CA3402472.